The following is an entry in ClinVar:

ClinVar aggregate classification (germline): Uncertain significance. Review status: criteria provided, multiple submitters, no conflicts (2 of 4 stars). 2 submissions from 2 submitters: Uncertain significance (2). Last evaluated 2025-07-02.

Conditions:
Hereditary cancer-predisposing syndrome. Also called: Neoplastic Syndromes, Hereditary; Hereditary neoplastic syndrome; Tumor predisposition; Hereditary Cancer Syndrome. Identifiers: Orphanet 140162, MedGen C0027672, MeSH D009386, MONDO:0015356.
Hereditary pheochromocytoma and paraganglioma. Also called: Hereditary Paraganglioma-Pheochromocytoma Syndromes; Hereditary paragangliomas and pheochromocytomas; Hereditary pheochromocytoma-paraganglioma. Identifiers: Orphanet 29072, MedGen C4274332, MONDO:0017366.

Submissions (2):

Labcorp Genetics (formerly Invitae), Labcorp
Classification: Uncertain significance for Hereditary pheochromocytoma and paraganglioma. Last evaluated: 2025-07-02. Review status: criteria provided, single submitter. Criteria: Invitae Variant Classification Sherloc (09022015). Collection method: clinical testing. Allele origin: germline.
Comment: This sequence change replaces valine, which is neutral and non-polar, with glutamic acid, which is acidic and polar, at codon 71 of the TMEM127 protein (p.Val71Glu). This variant is not present in population databases (gnomAD no frequency). This variant has not been reported in the literature in individuals affected with TMEM127-related conditions. ClinVar contains an entry for this variant (Variation ID: 463842). An algorithm developed to predict the effect of missense changes on protein structure and function (PolyPhen-2) suggests that this variant is likely to be disruptive. In summary, the available evidence is currently insufficient to determine the role of this variant in disease. Therefore, it has been classified as a Variant of Uncertain Significance.

Ambry Genetics
Classification: Uncertain significance for Hereditary cancer-predisposing syndrome. Last evaluated: 2024-02-22. Review status: criteria provided, single submitter. Criteria: Ambry Variant Classification Scheme 2023. Collection method: clinical testing. Allele origin: germline.
Comment: The p.V71E variant (also known as c.212T>A), located in coding exon 1 of the TMEM127 gene, results from a T to A substitution at nucleotide position 212. The valine at codon 71 is replaced by glutamic acid, an amino acid with dissimilar properties. This amino acid position is conserved. In addition, this alteration is predicted to be deleterious by in silico analysis. Based on the available evidence, the clinical significance of this alteration remains unclear.

NM_017849.4(TMEM127):c.212T>A (p.Val71Glu)

Gene: TMEM127 (transmembrane protein 127; minus strand). Cytogenetic location: 2q11.2.
Variant type: single nucleotide variant.
Coding change: c.212T>A on transcript NM_017849.4 (MANE Select); coding-DNA position 212, T replaced by A.
Protein change: p.Val71Glu; replaces valine 71 with glutamic acid.
Molecular consequence: missense variant.
Genome position (GRCh38, 1-based): chr2:96,265,170, A>T on the plus strand (T>A on the coding strand, the complement: TMEM127 is on the minus strand). VCF-style: chr2-96265170-A-T. GRCh37 (hg19) VCF-style: chr2-96930908-A-T.
Other names: c.212T>A, p.Val71Glu (NM_001193304.3); short protein forms V71E.
Identifiers: ClinVar variation 463842 (VCV000463842.9), dbSNP rs1553437719, ClinGen allele CA347655887.